The following is an entry in ClinVar:

ClinVar aggregate classification (germline): Uncertain significance (1 of 4 stars; one submission).

Conditions:
Inborn genetic diseases. Identifiers: MedGen C0950123, MeSH D030342.

Submission:

Ambry Genetics
Classification: Uncertain significance for Inborn genetic diseases. Last evaluated: 2026-04-28. Review status: criteria provided, single submitter. Criteria: Ambry Variant Classification Scheme 2023. Collection method: clinical testing. Allele origin: germline.
Comment: The p.E383K variant (also known as c.1147G>A), located in coding exon 10 of the ANKRD26 gene, results from a G to A substitution at nucleotide position 1147. The glutamic acid at codon 383 is replaced by lysine, an amino acid with similar properties. This amino acid position is conserved. In addition, this alteration is predicted to be tolerated by in silico analysis. Based on the available evidence, the clinical significance of this variant remains unclear.

NM_014915.3(ANKRD26):c.1147G>A (p.Glu383Lys)

Gene: ANKRD26 (ankyrin repeat domain 26; minus strand). Cytogenetic location: 10p12.1.
Variant type: single nucleotide variant.
Coding change: c.1147G>A on transcript NM_014915.3 (MANE Select); coding-DNA position 1147, G replaced by A.
Protein change: p.Glu383Lys; replaces glutamic acid 383 with lysine.
Molecular consequence: missense variant.
Genome position (GRCh38, 1-based): chr10:27,067,217, C>T on the plus strand (G>A on the coding strand, the complement: ANKRD26 is on the minus strand). VCF-style: chr10-27067217-C-T. GRCh37 (hg19) VCF-style: chr10-27356146-C-T.
Other names: c.1147G>A, p.Glu383Lys (NM_001256053.2); short protein forms E383K.
Identifiers: ClinVar variation 4859603 (VCV004859603.1).
Genomic context (GRCh38, chr10:27,067,217, plus strand): 5'-CACTTCTATTATTTTTGTGCACTTCATCAACATAAGTCAAATTGTCATTATTTGTTTGCT[C>T]TAGTGGAGCACTTTCAATAATATCAATACCATTTTCTTTTTTTGCAATGCCTGGCTTTGT-3'
Protein context (NP_055730.2, residues 373-393): GIDIIESAPL[Glu383Lys]QTNNDNLTYV